The following is an entry in ClinVar:

ClinVar aggregate classification (germline): Pathogenic (1 of 4 stars; one submission).

Submission:

Labcorp Genetics (formerly Invitae), Labcorp
Classification: Pathogenic. Last evaluated: 2022-09-15. Review status: criteria provided, single submitter. Criteria: Invitae Variant Classification Sherloc (09022015). Collection method: clinical testing. Allele origin: germline.
Comment: This sequence change creates a premature translational stop signal (p.Cys50Alafs*58) in the NR2E3 gene. It is expected to result in an absent or disrupted protein product. Loss-of-function variants in NR2E3 are known to be pathogenic (PMID: 15459973, 27522502). For these reasons, this variant has been classified as Pathogenic. This variant is not present in population databases (gnomAD no frequency). This variant has not been reported in the literature in individuals affected with NR2E3-related conditions.

Literature cited by the submitters: PubMed 15459973; PubMed 27522502.

NM_014249.4(NR2E3):c.143_147dup (p.Cys50fs)

Gene: NR2E3 (nuclear receptor subfamily 2 group E member 3; plus strand). Cytogenetic location: 15q23.
Variant type: Duplication.
Coding change: c.143_147dup on transcript NM_014249.4 (MANE Select); coding-DNA positions 143 to 147, 5 bases duplicated (GCGTG; older notation c.143_147dupGCGTG).
Protein change: p.Cys50fs; shifts the reading frame from cysteine 50.
Molecular consequence: frameshift variant.
Genome position (GRCh38, 1-based): chr15:71,811,507-71,811,511, GCGTG duplicated. VCF-style (leftmost placement, unchanged base first): chr15-71811506-C-CGCGTG. GRCh37 (hg19) VCF-style: chr15-72103846-C-CGCGTG.
Other names: c.143_147dup, p.Cys50fs (NM_016346.4); short protein forms C50fs.
Identifiers: ClinVar variation 2029290 (VCV002029290.4), dbSNP rs2543253145, ClinGen allele CA2580089922.